The following is an entry in ClinVar:

NM_001291415.2(KDM6A):c.2018G>C (p.Arg673Pro)

Gene: KDM6A (lysine demethylase 6A; plus strand). Cytogenetic location: Xp11.3.
Variant type: single nucleotide variant.
Coding change: c.2018G>C on transcript NM_001291415.2 (MANE Select); coding-DNA position 2018, G replaced by C.
Protein change: p.Arg673Pro; replaces arginine 673 with proline.
Molecular consequence: missense variant. On other transcripts: non-coding transcript variant (1).
Genome position (GRCh38, 1-based): chrX:45,063,756, G>C. VCF-style: chrX-45063756-G-C. GRCh37 (hg19) VCF-style: chrX-44923001-G-C.
Other names: c.1883G>C, p.Arg628Pro (NM_001291416.2); c.1727G>C, p.Arg576Pro (NM_001291417.2); c.1625G>C, p.Arg542Pro (NM_001291418.2); c.974G>C, p.Arg325Pro (NM_001291421.2); c.1760G>C, p.Arg587Pro (NM_001410742.1); c.1862G>C, p.Arg621Pro (NM_021140.4); short protein forms R325P, R628P, R576P, R621P, R542P, R587P, R673P.
Identifiers: ClinVar variation 1996961 (VCV001996961.4), dbSNP rs369284316, ClinGen allele CA412790649.
Genomic context (GRCh38, chrX:45,063,756, plus strand): 5'-GTGGAAGTAATGGAAACGTGCCTTACCTGCAGCGAAACGCACTCACTCTACCTCATAACC[G>C]CACAAACCTGACCAGCAGCGCAGAGGAGCCGTGGAAAAACCAACTATCTAACTCCACTCA-3'
Protein context (NP_001278344.1, residues 663-683): QRNALTLPHN[Arg673Pro]TNLTSSAEEP

ClinVar aggregate classification (germline): Uncertain significance (1 of 4 stars; one submission).

Conditions:
Kabuki syndrome 2 (KABUK2). Also called: KDM6A-Related Kabuki Syndrome. Identifiers: Orphanet 2322, MedGen C3275495, MONDO:0010465, OMIM 300867.

gnomAD v4.1: 1 of 1,205,701 alleles (0.000083%); highest among the groups gnomAD compares: Non-Finnish European, 0.00011%; no homozygotes.

Submission:

Labcorp Genetics (formerly Invitae), Labcorp
Classification: Uncertain significance for Kabuki syndrome 2. Last evaluated: 2022-05-20. Review status: criteria provided, single submitter. Criteria: Invitae Variant Classification Sherloc (09022015). Collection method: clinical testing. Allele origin: germline.
Comment: In summary, the available evidence is currently insufficient to determine the role of this variant in disease. Therefore, it has been classified as a Variant of Uncertain Significance. Algorithms developed to predict the effect of missense changes on protein structure and function (SIFT, PolyPhen-2, Align-GVGD) all suggest that this variant is likely to be tolerated. This variant has not been reported in the literature in individuals affected with KDM6A-related conditions. This variant is not present in population databases (gnomAD no frequency). This sequence change replaces arginine, which is basic and polar, with proline, which is neutral and non-polar, at codon 621 of the KDM6A protein (p.Arg621Pro).